The following is an entry in ClinVar:

ClinVar aggregate classification (germline): Likely benign (0 of 4 stars; one submission).

Conditions:
MCCC1-related disorder. Also called: MCCC1-related condition.

Allele frequency attached by ClinVar (database versions not stated): gnomAD exomes below 0.00001; gnomAD 0.00001; TOPMed 0.00002.
gnomAD v4.1: 2 of 1,607,490 alleles (0.00012%); highest among the groups gnomAD compares: African/African-American, 0.0013%; no homozygotes.

Submission:

PreventionGenetics, part of Exact Sciences
Classification: Likely benign for MCCC1-related condition. Last evaluated: 2022-10-12. Review status: no assertion criteria provided. Collection method: clinical testing. Allele origin: germline.
Comment: This variant is classified as likely benign based on ACMG/AMP sequence variant interpretation guidelines (Richards et al. 2015 PMID: 25741868, with internal and published modifications).

NM_020166.5(MCCC1):c.1662T>C (p.Thr554=)

Gene: MCCC1 (methylcrotonyl-CoA carboxylase subunit 1; minus strand). Cytogenetic location: 3q27.1.
Variant type: single nucleotide variant.
Coding change: c.1662T>C on transcript NM_020166.5 (MANE Select); coding-DNA position 1662, T replaced by C.
Protein change: p.Thr554=; no amino-acid change (threonine 554 retained).
Molecular consequence: synonymous variant. On other transcripts: non-coding transcript variant (2).
Genome position (GRCh38, 1-based): chr3:183,034,010, A>G on the plus strand (T>C on the coding strand, the complement: MCCC1 is on the minus strand). VCF-style: chr3-183034010-A-G. GRCh37 (hg19) VCF-style: chr3-182751798-A-G.
Other names: c.1311T>C, p.Thr437= (NM_001293273.2); c.1335T>C, p.Thr445= (NM_001363880.1).
Identifiers: ClinVar variation 3030881 (VCV003030881.2), dbSNP rs908771933, ClinGen allele CA88698354.